The following is an entry in ClinVar:

NM_017547.4(FOXRED1):c.470C>T (p.Ser157Leu)

Gene: FOXRED1 (FAD dependent oxidoreductase domain containing 1; plus strand). Cytogenetic location: 11q24.2.
Variant type: single nucleotide variant.
Coding change: c.470C>T on transcript NM_017547.4 (MANE Select); coding-DNA position 470, C replaced by T.
Protein change: p.Ser157Leu; replaces serine 157 with leucine.
Molecular consequence: missense variant. On other transcripts: non-coding transcript variant (2).
Genome position (GRCh38, 1-based): chr11:126,273,388, C>T. VCF-style: chr11-126273388-C-T. GRCh37 (hg19) VCF-style: chr11-126143283-C-T.
Other names: c.470C>T (NM_017547.3); short protein forms S157L.
Identifiers: ClinVar variation 1137282 (VCV001137282.9), dbSNP rs778727697, ClinGen allele CA6354097.

ClinVar aggregate classification (germline): Conflicting classifications of pathogenicity. Review status: criteria provided, conflicting classifications (1 of 4 stars). 3 submissions from 3 submitters: Uncertain significance (1); Likely benign (2). Last evaluated 2026-01-28.

Conditions:
Inborn genetic diseases. Identifiers: MedGen C0950123, MeSH D030342.

Allele frequency attached by ClinVar (database versions not stated): 1000 Genomes Project 30x 0.00016.
gnomAD v4.1: 169 of 1,614,026 alleles (0.01%); highest among the groups gnomAD compares: Non-Finnish European, 0.0057%; no homozygotes.

Submissions (3):

Labcorp Genetics (formerly Invitae), Labcorp
Classification: Likely benign. Last evaluated: 2026-01-28. Review status: criteria provided, single submitter. Criteria: Invitae Variant Classification Sherloc (09022015). Collection method: clinical testing. Allele origin: germline.

GeneDx
Classification: Uncertain significance. Last evaluated: 2023-05-25. Review status: criteria provided, single submitter. Criteria: GeneDx Variant Classification Process June 2021. Collection method: clinical testing. Allele origin: germline. Affected: yes.
Comment: In silico analysis supports that this missense variant has a deleterious effect on protein structure/function; Has not been previously published as pathogenic or benign to our knowledge

Ambry Genetics
Classification: Likely benign for Inborn genetic diseases. Last evaluated: 2022-10-27. Review status: criteria provided, single submitter. Criteria: Ambry Variant Classification Scheme 2023. Collection method: clinical testing. Allele origin: germline.